The following is an entry in ClinVar:

NM_001018115.3(FANCD2):c.1278+1G>T

Genes: FANCD2 (FA complementation group D2; plus strand), LOC107303338 (3p25 FANCD2 Alu-mediated recombination region; plus strand). Cytogenetic location: 3p25.3.
Variant type: single nucleotide variant.
Coding change: c.1278+1G>T on transcript NM_001018115.3 (MANE Select); the canonical splice donor site of the intron after coding-DNA position 1278, G replaced by T.
Molecular consequence: splice donor variant.
Genome position (GRCh38, 1-based): chr3:10,046,724, G>T. VCF-style: chr3-10046724-G-T. GRCh37 (hg19) VCF-style: chr3-10088408-G-T.
Other names: NC_000003.11:g.10088408G>T; c.1278+1G>T (NM_001319984.2, NM_001374253.1, NM_033084.6 and 1 more transcripts).
Identifiers: ClinVar variation 3076009 (VCV003076009.2), dbSNP rs146316187, ClinGen allele CA090945.
Genomic context (GRCh38, chr3:10,046,724, plus strand): 5'-ATTCGATCAGGCTGCATTCAAGAACAGCTGCTCCAGAGTACATTCTCTGTTCATTACTTA[G>T]TAAGTGTCAGAGACTATTGATTTTTAATCTAAAACAGAAAGCTTTACAGCTCTCATGTAA-3'

ClinVar aggregate classification (germline): Likely pathogenic (1 of 4 stars; one submission).

Conditions:
Fanconi anemia (FA). Also called: Fanconi's anemia. Identifiers: Orphanet 84, MedGen C0015625, MeSH D005199, MONDO:0019391.

Allele frequency attached by ClinVar (database versions not stated): gnomAD 0.00008; ExAC 0.00794.

Submissions (3):

Laboratory for Molecular Medicine, Mass General Brigham Personalized Medicine
Classification: Likely pathogenic for Fanconi anemia. Last evaluated: 2015-04-20. Review status: criteria provided, single submitter. Criteria: ACMG Guidelines, 2015. Collection method: clinical testing. Allele origin: germline. Inheritance: Autosomal recessive inheritance.
Comment: The c.1278+1G>T variant in FANCD2 has not been previously reported in individuals with Fanconi anemia. Data from large population studies is insufficient to assess the frequency of this variant. This variant occurs in the invariant region (+/- 1,2) of the splice consensus sequence and is predicted to cause altered splicing leading to an abnormal or absent protein. Complete loss of FANCD2 function is an established disease mechanism in Fanconi anemia. In summary, although additional studies are required to fully establish its clinical significance, the 1278+1G>T variant is likely pathogenic.

Dr. Peter K. Rogan Lab, Western University
No classification provided (evidence only). Condition: Colon adenocarcinoma. Review status: no classification provided. Collection method: in vitro. Allele origin: not applicable. Functional consequence: retained intron. Not counted in ClinVar's aggregate classification.

Dr. Peter K. Rogan Lab, Western University
No classification provided (evidence only). Condition: Malignant tumor of esophagus. Review status: no classification provided. Collection method: in vitro. Allele origin: not applicable. Functional consequence: skipped exon. Not counted in ClinVar's aggregate classification.